The following is an entry in ClinVar:

ClinVar aggregate classification (germline): Uncertain significance (1 of 4 stars; one submission).

Conditions:
Ataxia-telangiectasia syndrome (AT). Also called: Ataxia-telangiectasia, complementation group D; AT, COMPLEMENTATION GROUP C; Ataxia-telangiectasia; ATAXIA-TELANGIECTASIA, COMPLEMENTATION GROUP A; ATAXIA-TELANGIECTASIA, FRESNO VARIANT; LOUIS-BAR SYNDROME. Identifiers: Orphanet 100, MedGen C0004135, MONDO:0008840, OMIM 208900.

Submission:

Labcorp Genetics (formerly Invitae), Labcorp
Classification: Uncertain significance for Ataxia-telangiectasia syndrome. Last evaluated: 2022-09-27. Review status: criteria provided, single submitter. Criteria: Invitae Variant Classification Sherloc (09022015). Collection method: clinical testing. Allele origin: germline.
Comment: This sequence change replaces leucine, which is neutral and non-polar, with phenylalanine, which is neutral and non-polar, at codon 1606 of the ATM protein (p.Leu1606Phe). This variant is not present in population databases (gnomAD no frequency). This variant has not been reported in the literature in individuals affected with ATM-related conditions. ClinVar contains an entry for this variant (Variation ID: 639582). Algorithms developed to predict the effect of missense changes on protein structure and function are either unavailable or do not agree on the potential impact of this missense change (SIFT: "Tolerated"; PolyPhen-2: "Possibly Damaging"; Align-GVGD: "Class C0"). In summary, the available evidence is currently insufficient to determine the role of this variant in disease. Therefore, it has been classified as a Variant of Uncertain Significance.

NM_000051.4(ATM):c.4816C>T (p.Leu1606Phe)

Gene: ATM (ATM serine/threonine kinase; plus strand). Cytogenetic location: 11q22.3.
Variant type: single nucleotide variant.
Coding change: c.4816C>T on transcript NM_000051.4 (MANE Select); coding-DNA position 4816, C replaced by T.
Protein change: p.Leu1606Phe; replaces leucine 1606 with phenylalanine.
Molecular consequence: missense variant.
Genome position (GRCh38, 1-based): chr11:108,294,966, C>T. VCF-style: chr11-108294966-C-T. GRCh37 (hg19) VCF-style: chr11-108165693-C-T.
Other names: c.4816C>T, p.Leu1606Phe (NM_001351834.2); short protein forms L1606F.
Identifiers: ClinVar variation 639582 (VCV000639582.4), dbSNP rs746103632, ClinGen allele CA382536635.